The following is an entry in ClinVar:

NM_006766.5(KAT6A):c.747G>A (p.Thr249=)

Gene: KAT6A (lysine acetyltransferase 6A; minus strand). Cytogenetic location: 8p11.21.
Variant type: single nucleotide variant.
Coding change: c.747G>A on transcript NM_006766.5 (MANE Select); coding-DNA position 747, G replaced by A.
Protein change: p.Thr249=; no amino-acid change (threonine 249 retained).
Molecular consequence: synonymous variant.
Genome position (GRCh38, 1-based): chr8:41,981,917, C>T on the plus strand (G>A on the coding strand, the complement: KAT6A is on the minus strand). VCF-style: chr8-41981917-C-T. GRCh37 (hg19) VCF-style: chr8-41839435-C-T.
Other names: c.747G>A, p.Thr249= (NM_001305878.2); c.747G>A (NM_006766.4).
Identifiers: ClinVar variation 2185189 (VCV002185189.5), dbSNP rs771071033, ClinGen allele CA4730341.

ClinVar aggregate classification (germline): Conflicting classifications of pathogenicity. Review status: criteria provided, conflicting classifications (1 of 4 stars). 2 submissions from 2 submitters: Uncertain significance (1); Likely benign (1). Last evaluated 2025-03-31.

Conditions:
KAT6A-related disorder. Also called: KAT6A-related condition.

Allele frequency attached by ClinVar (database versions not stated): TOPMed 0.00001.

Submissions (2):

Labcorp Genetics (formerly Invitae), Labcorp
Classification: Likely benign. Last evaluated: 2025-03-31. Review status: criteria provided, single submitter. Criteria: Invitae Variant Classification Sherloc (09022015). Collection method: clinical testing. Allele origin: germline.

PreventionGenetics, part of Exact Sciences
Classification: Uncertain significance for KAT6A-related condition. Last evaluated: 2023-08-01. Review status: criteria provided, single submitter. Criteria: ACMG Guidelines, 2015. Collection method: clinical testing. Allele origin: germline.
Comment: The KAT6A c.747G>A variant is not predicted to result in an amino acid change (p.=). To our knowledge, this variant has not been reported in the literature. This variant is reported in 0.0087% of alleles in individuals of Latino descent in gnomAD. At this time, the clinical significance of this variant is uncertain due to the absence of conclusive functional and genetic evidence.